The following is an entry in ClinVar:

NM_001283009.2(RTEL1):c.3058G>A (p.Glu1020Lys)

Genes: RTEL1 (regulator of telomere elongation helicase 1; plus strand), RTEL1-TNFRSF6B (RTEL1-TNFRSF6B readthrough (NMD candidate); plus strand). Cytogenetic location: 20q13.33.
Variant type: single nucleotide variant.
Coding change: c.3058G>A on transcript NM_001283009.2 (MANE Select); coding-DNA position 3058, G replaced by A.
Protein change: p.Glu1020Lys; replaces glutamic acid 1020 with lysine.
Molecular consequence: missense variant. On other transcripts: non-coding transcript variant (1).
Genome position (GRCh38, 1-based): chr20:63,694,437, G>A. VCF-style: chr20-63694437-G-A. GRCh37 (hg19) VCF-style: chr20-62325790-G-A.
Other names: c.2389G>A, p.Glu797Lys (NM_001283010.1); c.3058G>A, p.Glu1020Lys (NM_016434.4); c.3130G>A, p.Glu1044Lys (NM_032957.5); short protein forms E797K, E1020K, E1044K.
Identifiers: ClinVar variation 3436031 (VCV003436031.1).

ClinVar aggregate classification (germline): Uncertain significance (1 of 4 stars; one submission).

Conditions:
Inborn genetic diseases. Identifiers: MedGen C0950123, MeSH D030342.

gnomAD v4.1: 5 of 1,612,126 alleles (0.00031%); highest among the groups gnomAD compares: African/African-American, 0.004%; no homozygotes.

Submission:

Ambry Genetics
Classification: Uncertain significance for Inborn genetic diseases. Last evaluated: 2024-12-07. Review status: criteria provided, single submitter. Criteria: Ambry Variant Classification Scheme 2023. Collection method: clinical testing. Allele origin: germline.
Comment: The p.E1020K variant (also known as c.3058G>A), located in coding exon 30 of the RTEL1 gene, results from a G to A substitution at nucleotide position 3058. The glutamic acid at codon 1020 is replaced by lysine, an amino acid with similar properties. This amino acid position is conserved. In addition, this alteration is predicted to be tolerated by in silico analysis. Based on the available evidence, the clinical significance of this variant remains unclear.